The following is an entry in ClinVar:

ClinVar aggregate classification (germline): Likely benign (1 of 4 stars; one submission).

Conditions:
Combined oxidative phosphorylation defect type 8. Also called: CARDIOMYOPATHY, HYPERTROPHIC MITOCHONDRIAL, FATAL INFANTILE. Identifiers: Orphanet 319504, MedGen C4518839, MONDO:0013570, OMIM 614096.

Allele frequency attached by ClinVar (database versions not stated): gnomAD 0.00229 and 0.00267; TOPMed 0.00244; 1000 Genomes Project 0.00339; 1000 Genomes Project 30x 0.00359.

Submission:

Illumina Laboratory Services, Illumina
Classification: Likely benign for Combined oxidative phosphorylation defect type 8. Last evaluated: 2018-01-13. Review status: criteria provided, single submitter. Criteria: ICSL Variant Classification Criteria 13 December 2019. Collection method: clinical testing. Allele origin: germline.
Comment: This variant was observed in the ICSL laboratory as part of a predisposition screen in an ostensibly healthy population. It had not been previously curated by ICSL or reported in the Human Gene Mutation Database (HGMD: prior to June 1st, 2018), and was therefore a candidate for classification through an automated scoring system. Utilizing variant allele frequency, disease prevalence and penetrance estimates, and inheritance mode, an automated score was calculated to assess if this variant is too frequent to cause the disease. Based on the score and internal cut-off values, a variant classified as likely benign is not then subjected to further curation. The score for this variant resulted in a classification of likely benign for this disease.

NM_020745.4(AARS2):c.*1007A>G

Gene: AARS2 (alanyl-tRNA synthetase 2, mitochondrial; minus strand). Cytogenetic location: 6p21.1.
Variant type: single nucleotide variant.
Coding change: c.*1007A>G on transcript NM_020745.4 (MANE Select); 1007 bases downstream of the stop codon, A replaced by G.
Molecular consequence: 3 prime UTR variant.
Genome position (GRCh38, 1-based): chr6:44,299,540, T>C on the plus strand (A>G on the coding strand, the complement: AARS2 is on the minus strand). VCF-style: chr6-44299540-T-C. GRCh37 (hg19) VCF-style: chr6-44267277-T-C.
Identifiers: ClinVar variation 912116 (VCV000912116.4), dbSNP rs538721769, ClinGen allele CA138383124.